The following is an entry in ClinVar:

NM_201384.3(PLEC):c.3109G>C (p.Gly1037Arg)

Gene: PLEC (plectin; minus strand). Cytogenetic location: 8q24.3.
Variant type: single nucleotide variant.
Coding change: c.3109G>C on transcript NM_201384.3 (MANE Select); coding-DNA position 3109, G replaced by C.
Protein change: p.Gly1037Arg; replaces glycine 1037 with arginine.
Molecular consequence: missense variant.
Genome position (GRCh38, 1-based): chr8:143,929,254, C>G on the plus strand (G>C on the coding strand, the complement: PLEC is on the minus strand). VCF-style: chr8-143929254-C-G. GRCh37 (hg19) VCF-style: chr8-145003422-C-G.
Other names: c.3190G>C, p.Gly1064Arg (NM_000445.5); c.3067G>C, p.Gly1023Arg (NM_201378.4); c.3043G>C, p.Gly1015Arg (NM_201379.3); c.3520G>C, p.Gly1174Arg (NM_201380.4); c.3013G>C, p.Gly1005Arg (NM_201381.3); c.3109G>C, p.Gly1037Arg (NM_201382.4); c.3121G>C, p.Gly1041Arg (NM_201383.3); short protein forms G1005R, G1015R, G1023R, G1037R, G1041R, G1064R, G1174R.
Identifiers: ClinVar variation 1016698 (VCV001016698.5), dbSNP rs782169577, ClinGen allele CA4927202.
Genomic context (GRCh38, chr8:143,929,254, plus strand): 5'-ATGGCTCTGGTAGGGCCAAGACCTTCTCGGCCTCGGCAGAGAGCCGGGCGACCCCCTTGC[C>G]CAGCCCCTCCACCTCTGCCTGTGCCTTCTGCAAAGACAGGGAGTGGGAACGCACTCATCA-3'
Protein context (NP_958786.1, residues 1027-1047): QKAQAEVEGL[Gly1037Arg]KGVARLSAEA

ClinVar aggregate classification (germline): Uncertain significance (1 of 4 stars; one submission).

Conditions:
Epidermolysis bullosa simplex 5B, with muscular dystrophy (EBS5B). Also called: EPIDERMOLYSIS BULLOSA SIMPLEX AND LIMB-GIRDLE MUSCULAR DYSTROPHY; Epidermolysis bullosa simplex with muscular dystrophy. Identifiers: Orphanet 257, MedGen C2931072, MONDO:0009181, OMIM 226670.
Epidermolysis bullosa simplex, Ogna type (EBS5A). Also called: EPIDERMOLYSIS BULLOSA SIMPLEX 5A, OGNA TYPE; Pidermolysis bullosa simplex 5A, Ogna type. Identifiers: Orphanet 79401, MedGen C0432317, MONDO:0007555, OMIM 131950.
Epidermolysis bullosa simplex 5C, with pyloric atresia (EBS5C). Also called: Epidermolysis bullosa simplex with pyloric atresia; PLEC-Related Epidermolysis Bullosa with Pyloric Atresia; PLEC1-Related Epidermolysis Bullosa with Pyloric Atresia. Identifiers: Orphanet 158684, MedGen C2677349, MONDO:0012807, OMIM 612138.
Autosomal recessive limb-girdle muscular dystrophy type 2Q (LGMDR17). Also called: MUSCULAR DYSTROPHY, LIMB-GIRDLE, AUTOSOMAL RECESSIVE 17. Identifiers: Orphanet 254361, MedGen C3150989, MONDO:0013390, OMIM 613723.
Epidermolysis bullosa simplex with nail dystrophy (EBS5D). Identifiers: MedGen C4225309, MONDO:0014661, OMIM 616487.

Allele frequency attached by ClinVar (database versions not stated): gnomAD exomes below 0.00001; TOPMed below 0.00001; ExAC 0.00001; gnomAD 0.00001.
gnomAD v4.1: 4 of 1,601,538 alleles (0.00025%); highest among the groups gnomAD compares: Non-Finnish European, 0.00034%; no homozygotes.

Submission:

Labcorp Genetics (formerly Invitae), Labcorp
Classification: Uncertain significance for Autosomal recessive limb-girdle muscular dystrophy type 2Q; Epidermolysis bullosa simplex, Ogna type; Epidermolysis bullosa simplex with nail dystrophy; Epidermolysis bullosa simplex 5C, with pyloric atresia; Epidermolysis bullosa simplex 5B, with muscular dystrophy. Last evaluated: 2022-06-13. Review status: criteria provided, single submitter. Criteria: Invitae Variant Classification Sherloc (09022015). Collection method: clinical testing. Allele origin: germline.
Comment: This variant has not been reported in the literature in individuals affected with PLEC-related conditions. This variant is present in population databases (rs782169577, gnomAD 0.0009%). This sequence change replaces glycine, which is neutral and non-polar, with arginine, which is basic and polar, at codon 1064 of the PLEC protein (p.Gly1064Arg). ClinVar contains an entry for this variant (Variation ID: 1016698). In summary, the available evidence is currently insufficient to determine the role of this variant in disease. Therefore, it has been classified as a Variant of Uncertain Significance. Algorithms developed to predict the effect of missense changes on protein structure and function are either unavailable or do not agree on the potential impact of this missense change (SIFT: "Tolerated"; PolyPhen-2: "Not Available"; Align-GVGD: "Class C0").